The following is an entry in ClinVar:

NM_001036.6(RYR3):c.5042A>G (p.Lys1681Arg)

Gene: RYR3 (ryanodine receptor 3; plus strand). Cytogenetic location: 15q14.
Variant type: single nucleotide variant.
Coding change: c.5042A>G on transcript NM_001036.6 (MANE Select); coding-DNA position 5042, A replaced by G.
Protein change: p.Lys1681Arg; replaces lysine 1681 with arginine.
Molecular consequence: missense variant.
Genome position (GRCh38, 1-based): chr15:33,662,572, A>G. VCF-style: chr15-33662572-A-G. GRCh37 (hg19) VCF-style: chr15-33954773-A-G.
Other names: c.5042A>G, p.Lys1681Arg (NM_001243996.4); short protein forms K1681R.
Identifiers: ClinVar variation 657992 (VCV000657992.12), dbSNP rs200288877, ClinGen allele CA7459167.

ClinVar aggregate classification (germline): Uncertain significance. Review status: criteria provided, multiple submitters, no conflicts (2 of 4 stars). 3 submissions from 3 submitters: Uncertain significance (3). Last evaluated 2024-08-28.

Conditions:
RYR3-related Epileptic encephalopathy.
Epileptic encephalopathy. Identifiers: MedGen C0543888, HP:0200134.

Allele frequency attached by ClinVar (database versions not stated): ExAC 0.00001; gnomAD exomes 0.00001; gnomAD 0.00004 and 0.00005; TOPMed 0.00008; 1000 Genomes Project 0.00020; 1000 Genomes Project 30x 0.00031.
gnomAD v4.1: 13 of 1,613,994 alleles (0.00081%); highest among the groups gnomAD compares: Admixed American, 0.02%; no homozygotes.

Submissions (3):

Ambry Genetics
Classification: Uncertain significance. Last evaluated: 2024-08-28. Review status: criteria provided, single submitter. Criteria: Ambry Variant Classification Scheme 2023. Collection method: clinical testing. Allele origin: germline.

Labcorp Genetics (formerly Invitae), Labcorp
Classification: Uncertain significance for Epileptic encephalopathy. Last evaluated: 2024-04-10. Review status: criteria provided, single submitter. Criteria: Invitae Variant Classification Sherloc (09022015). Collection method: clinical testing. Allele origin: germline.
Comment: This sequence change replaces lysine, which is basic and polar, with arginine, which is basic and polar, at codon 1681 of the RYR3 protein (p.Lys1681Arg). This variant is present in population databases (rs200288877, gnomAD 0.003%). This variant has not been reported in the literature in individuals affected with RYR3-related conditions. ClinVar contains an entry for this variant (Variation ID: 657992). Advanced modeling of protein sequence and biophysical properties (such as structural, functional, and spatial information, amino acid conservation, physicochemical variation, residue mobility, and thermodynamic stability) performed at Invitae indicates that this missense variant is not expected to disrupt RYR3 protein function with a negative predictive value of 80%. In summary, the available evidence is currently insufficient to determine the role of this variant in disease. Therefore, it has been classified as a Variant of Uncertain Significance.

New York Genome Center
Classification: Uncertain significance for RYR3-related Epileptic encephalopathy. Last evaluated: 2022-01-04. Review status: criteria provided, single submitter. Criteria: NYGC Assertion Criteria 2020. Collection method: clinical testing. Allele origin: inherited. Observed: 1 heterozygote. Study: CSER-NYCKidSeq.